The following is an entry in ClinVar:

NM_130837.3(OPA1):c.990C>T (p.Leu330=)

Gene: OPA1 (OPA1 mitochondrial dynamin like GTPase; plus strand). Cytogenetic location: 3q29.
Variant type: single nucleotide variant.
Coding change: c.990C>T on transcript NM_130837.3 (MANE Select); coding-DNA position 990, C replaced by T.
Protein change: p.Leu330=; no amino-acid change (leucine 330 retained).
Molecular consequence: synonymous variant.
Genome position (GRCh38, 1-based): chr3:193,637,236, C>T. VCF-style: chr3-193637236-C-T. GRCh37 (hg19) VCF-style: chr3-193355025-C-T.
Other names: c.456C>T, p.Leu152= (NM_001354663.2); c.453C>T, p.Leu151= (NM_001354664.2); c.825C>T, p.Leu275= (NM_015560.3); c.717C>T, p.Leu239= (NM_130831.3); c.771C>T, p.Leu257= (NM_130832.3); c.828C>T, p.Leu276= (NM_130833.3); c.879C>T, p.Leu293= (NM_130834.3); c.882C>T, p.Leu294= (NM_130835.3); and 2 more.
Identifiers: ClinVar variation 344483 (VCV000344483.21), dbSNP rs201242590, ClinGen allele CA2759230.

ClinVar aggregate classification (germline): Conflicting classifications of pathogenicity. Review status: criteria provided, conflicting classifications (1 of 4 stars). 5 submissions from 5 submitters: Uncertain significance (1); Likely benign (4). Last evaluated 2026-06-01.

Conditions:
OPA1-related disorder. Also called: OPA1-related condition; OPA1-related disorders.
Autosomal dominant optic atrophy classic form (OPA1). Also called: Optic Atrophy Type 1; KJER-TYPE OPTIC ATROPHY; OPTIC ATROPHY, JUVENILE. Identifiers: Orphanet 98673, MedGen C0338508, MONDO:0008134, OMIM 165500.

Allele frequency attached by ClinVar (database versions not stated): TOPMed 0.00003.
gnomAD v4.1: 123 of 1,607,538 alleles (0.0077%); highest among the groups gnomAD compares: Non-Finnish European, 0.0099%; no homozygotes.

Submissions (5):

CeGaT Center for Human Genetics Tuebingen
Classification: Likely benign. Last evaluated: 2026-06-01. Review status: criteria provided, single submitter. Criteria: CeGaT Center For Human Genetics Tuebingen Variant Classification Criteria Version 2. Collection method: clinical testing. Allele origin: germline. Affected: yes. Observed: 2 variant alleles.
Comment: OPA1: BP4, BP7

Labcorp Genetics (formerly Invitae), Labcorp
Classification: Likely benign. Last evaluated: 2026-02-02. Review status: criteria provided, single submitter. Criteria: Invitae Variant Classification Sherloc (09022015). Collection method: clinical testing. Allele origin: germline.

PreventionGenetics, part of Exact Sciences
Classification: Likely benign for OPA1-related condition. Last evaluated: 2025-09-02. Review status: criteria provided, single submitter. Criteria: ACMG Guidelines, 2015. Collection method: clinical testing. Allele origin: germline.
Comment: This variant is classified as likely benign based on ACMG/AMP sequence variant interpretation guidelines (Richards et al. 2015 PMID: 25741868, with internal and published modifications).

Blueprint Genetics
Classification: Likely benign. Last evaluated: 2024-02-06. Review status: criteria provided, single submitter. Criteria: ACMG Guidelines, 2015. Collection method: clinical testing. Allele origin: germline.

Illumina Laboratory Services, Illumina
Classification: Uncertain significance for Autosomal dominant optic atrophy classic form. Last evaluated: 2018-01-13. Review status: criteria provided, single submitter. Criteria: ICSL Variant Classification Criteria 13 December 2019. Collection method: clinical testing. Allele origin: germline.